The following is an entry in ClinVar:

ClinVar aggregate classification (germline): Likely pathogenic (1 of 4 stars; one submission).

Conditions:
Familial hypokalemia-hypomagnesemia (GTLMNS). Also called: POTASSIUM AND MAGNESIUM DEPLETION; HYPOMAGNESEMIA-HYPOKALEMIA, PRIMARY RENOTUBULAR, WITH HYPOCALCIURIA; gitelman syndrome. Identifiers: Orphanet 358, MedGen C0268450, MONDO:0009904, OMIM 263800.

Submission:

Natera, Inc.
Classification: Likely pathogenic for Gitelman syndrome. Last evaluated: 2024-02-27. Review status: criteria provided, single submitter. Criteria: Natera Variant Classification Schema (03/2026). Collection method: clinical testing. Allele origin: germline.
Comment: The c.1713_1729delGTTTGGGGCTATCATCT variant in SLC12A3 is a frameshift variant predicted to shift the reading frame beginning at codon 572 and leads to a stop codon 56 codons downstream. This variant is expected to result in nonsense mediated decay, truncation, or a dysfunctional protein product. This variant is rare in the general population with a frequency below the threshold expected for the associated phenotype(s). Given the available evidence, this variant is classified as Likely Pathogenic.

NM_001126108.2(SLC12A3):c.1713_1729del (p.Phe572fs)

Gene: SLC12A3 (solute carrier family 12 member 3; plus strand). Cytogenetic location: 16q13.
Variant type: Deletion.
Coding change: c.1713_1729del on transcript NM_001126108.2 (MANE Select); coding-DNA positions 1713 to 1729, 17 bases deleted (GTTTGGGGCTATCATCT).
Protein change: p.Phe572fs; shifts the reading frame from phenylalanine 572.
Molecular consequence: frameshift variant.
Genome position (GRCh38, 1-based): chr16:56,884,092-56,884,108, GTTTGGGGCTATCATCT deleted; deleting any 17 consecutive bases within chr16:56,884,090-56,884,108 gives the same sequence; the c. name uses the placement nearest the transcript's 3' end. VCF-style (leftmost placement, unchanged base first): chr16-56884089-GCTGTTTGGGGCTATCAT-G. GRCh37 (hg19) VCF-style: chr16-56918001-GCTGTTTGGGGCTATCAT-G.
Other names: c.1713_1729del, p.Phe572fs (NM_000339.3); c.1710_1726del, p.Phe571fs (NM_001126107.2, NM_001410896.1); short protein forms F571fs, F572fs.
Identifiers: ClinVar variation 4818194 (VCV004818194.1).